The following is an entry in ClinVar:

ClinVar aggregate classification (germline): Uncertain significance (1 of 4 stars; one submission).

Conditions:
Cardiovascular phenotype. Identifiers: MedGen CN230736.

Submission:

Ambry Genetics
Classification: Uncertain significance for Cardiovascular phenotype. Last evaluated: 2025-08-19. Review status: criteria provided, single submitter. Criteria: Ambry Variant Classification Scheme 2023. Collection method: clinical testing. Allele origin: germline.
Comment: The p.H1245R variant (also known as c.3734A>G), located in coding exon 2 of the ZNF469 gene, results from an A to G substitution at nucleotide position 3734. The histidine at codon 1245 is replaced by arginine, an amino acid with highly similar properties. This amino acid position is conserved. In addition, this alteration is predicted to be tolerated by in silico analysis. Based on the available evidence, the clinical significance of this variant remains unclear.

NM_001127464.1:c.3734A>G

Gene: ZNF469 (zinc finger protein 469; plus strand).
Variant type: single nucleotide variant.
Identifiers: ClinVar variation 4209128 (VCV004209128.1).